The following is an entry in ClinVar:

ClinVar aggregate classification (germline): Pathogenic (1 of 4 stars; one submission).

Conditions:
Hereditary cancer-predisposing syndrome. Also called: Tumor predisposition; Neoplastic Syndromes, Hereditary; Hereditary Cancer Syndrome; Hereditary neoplastic syndrome. Identifiers: Orphanet 140162, MedGen C0027672, MeSH D009386, MONDO:0015356.

Submission:

Color Diagnostics, LLC DBA Color Health
Classification: Pathogenic for Hereditary cancer-predisposing syndrome. Last evaluated: 2022-08-22. Review status: criteria provided, single submitter. Criteria: ACMG Guidelines, 2015. Collection method: clinical testing. Allele origin: germline.
Comment: This variant deletes 2 nucleotides in exon 48 of the ATM gene, creating a frameshift and premature translation stop signal. This variant is expected to result in an absent or non-functional protein product. To our knowledge, this variant has not been reported in individuals affected with hereditary cancer in the literature. This variant has not been identified in the general population by the Genome Aggregation Database (gnomAD). Loss of ATM function is a known mechanism of disease. Based on the available evidence, this variant is classified as Pathogenic.

NM_000051.4(ATM):c.7035_7036del (p.Leu2345fs)

Genes: ATM (ATM serine/threonine kinase; plus strand), C11orf65 (chromosome 11 open reading frame 65; minus strand). Cytogenetic location: 11q22.3.
Variant type: Deletion.
Coding change: c.7035_7036del on transcript NM_000051.4 (MANE Select); coding-DNA positions 7035 to 7036, 2 bases deleted (AG; older notation c.7035_7036delAG).
Protein change: p.Leu2345fs; shifts the reading frame from leucine 2345.
Molecular consequence: frameshift variant. On other transcripts: intron variant (2).
Genome position (GRCh38, 1-based): chr11:108,327,704-108,327,705, AG deleted. VCF-style (leftmost placement, unchanged base first): chr11-108327703-TAG-T. GRCh37 (hg19) VCF-style: chr11-108198430-TAG-T.
Other names: c.7035_7036del, p.Leu2345fs (NM_001351834.2); c.641-18634_641-18633del (NM_001330368.2); c.*38+7515_*38+7516del (NM_001351110.2); short protein forms L2345fs.
Identifiers: ClinVar variation 2774707 (VCV002774707.1), dbSNP rs2547232957, ClinGen allele CA2697556945.
Genomic context (GRCh38, chr11:108,327,703, plus strand): 5'-AGAACAATCCCAGCCTAAAACTTACATACACAGAATGTCTGAGGGTTTGTGGCAACTGGT[TAG>T]CAGAAACGTGCTTAGAAAATCCTGCGGTCATCATGCAGACCTATCTAGAAAAGGTAAGAT-3'